The following is an entry in ClinVar:

NM_001039591.3(USP9X):c.343G>A (p.Ala115Thr)

Gene: USP9X (ubiquitin specific peptidase 9 X-linked; plus strand). Cytogenetic location: Xp11.4.
Variant type: single nucleotide variant.
Coding change: c.343G>A on transcript NM_001039591.3 (MANE Select); coding-DNA position 343, G replaced by A.
Protein change: p.Ala115Thr; replaces alanine 115 with threonine.
Molecular consequence: missense variant.
Genome position (GRCh38, 1-based): chrX:41,134,745, G>A. VCF-style: chrX-41134745-G-A. GRCh37 (hg19) VCF-style: chrX-40993998-G-A.
Other names: c.343G>A, p.Ala115Thr (NM_001039590.3, NM_001410748.1, NM_001410749.1); short protein forms A115T.
Identifiers: ClinVar variation 3234523 (VCV003234523.20), dbSNP rs2519109350, ClinGen allele CA412761752.

ClinVar aggregate classification (germline): Uncertain significance (1 of 4 stars; one submission).

Allele frequency attached by ClinVar (database versions not stated): gnomAD exomes below 0.00001.
gnomAD v4.1: 5 of 1,208,496 alleles (0.00041%); highest among the groups gnomAD compares: Non-Finnish European, 0.00056%; no homozygotes.

Submission:

CeGaT Center for Human Genetics Tuebingen
Classification: Uncertain significance. Last evaluated: 2024-04-01. Review status: criteria provided, single submitter. Criteria: CeGaT Center For Human Genetics Tuebingen Variant Classification Criteria Version 2. Collection method: clinical testing. Allele origin: germline. Affected: yes. Observed: 1 variant allele.
Comment: USP9X: PM2